The following is an entry in ClinVar:

NM_006922.4(SCN3A):c.4679G>A (p.Arg1560Gln)

Gene: SCN3A (sodium voltage-gated channel alpha subunit 3; minus strand). Cytogenetic location: 2q24.3.
Variant type: single nucleotide variant.
Coding change: c.4679G>A on transcript NM_006922.4 (MANE Select); coding-DNA position 4679, G replaced by A.
Protein change: p.Arg1560Gln; replaces arginine 1560 with glutamine.
Molecular consequence: missense variant.
Genome position (GRCh38, 1-based): chr2:165,092,382, C>T on the plus strand (G>A on the coding strand, the complement: SCN3A is on the minus strand). VCF-style: chr2-165092382-C-T. GRCh37 (hg19) VCF-style: chr2-165948892-C-T.
Other names: c.4532G>A, p.Arg1511Gln (NM_001081676.2, NM_001081677.2); short protein forms R1511Q, R1560Q.
Identifiers: ClinVar variation 1000007 (VCV001000007.22), dbSNP rs768990821, ClinGen allele CA1938524.

ClinVar aggregate classification (germline): Uncertain significance. Review status: criteria provided, multiple submitters, no conflicts (2 of 4 stars). 2 submissions from 2 submitters: Uncertain significance (2). Last evaluated 2025-09-08.

Allele frequency attached by ClinVar (database versions not stated): ExAC 0.00001; gnomAD exomes 0.00001 and 0.00002; gnomAD 0.00005; TOPMed 0.00005.
gnomAD v4.1: 42 of 1,613,762 alleles (0.0026%); highest among the groups gnomAD compares: African/African-American, 0.011%; no homozygotes.

Submissions (2):

Labcorp Genetics (formerly Invitae), Labcorp
Classification: Uncertain significance. Last evaluated: 2025-09-08. Review status: criteria provided, single submitter. Criteria: Invitae Variant Classification Sherloc (09022015). Collection method: clinical testing. Allele origin: germline.
Comment: This sequence change replaces arginine, which is basic and polar, with glutamine, which is neutral and polar, at codon 1560 of the SCN3A protein (p.Arg1560Gln). This variant is present in population databases (rs768990821, gnomAD 0.004%). This variant has not been reported in the literature in individuals affected with SCN3A-related conditions. ClinVar contains an entry for this variant (Variation ID: 1000007). Invitae Evidence Modeling of protein sequence and biophysical properties (such as structural, functional, and spatial information, amino acid conservation, physicochemical variation, residue mobility, and thermodynamic stability) has been performed for this missense variant. However, the output from this modeling did not meet the statistical confidence thresholds required to predict the impact of this variant on SCN3A protein function. In summary, the available evidence is currently insufficient to determine the role of this variant in disease. Therefore, it has been classified as a Variant of Uncertain Significance.

CeGaT Center for Human Genetics Tuebingen
Classification: Uncertain significance. Last evaluated: 2024-11-01. Review status: criteria provided, single submitter. Criteria: CeGaT Center For Human Genetics Tuebingen Variant Classification Criteria Version 2. Collection method: clinical testing. Allele origin: germline. Affected: yes. Observed: 1 variant allele.